The following is an entry in ClinVar:

ClinVar aggregate classification (germline): Uncertain significance. Review status: criteria provided, multiple submitters, no conflicts (2 of 4 stars). 2 submissions from 2 submitters: Uncertain significance (2). Last evaluated 2025-08-30.

Conditions:
Inborn genetic diseases. Identifiers: MedGen C0950123, MeSH D030342.

Allele frequency attached by ClinVar (database versions not stated): gnomAD exomes below 0.00001; gnomAD 0.00001; TOPMed 0.00001.
gnomAD v4.1: 8 of 1,613,286 alleles (0.0005%); highest among the groups gnomAD compares: African/African-American, 0.0027%; no homozygotes.

Submissions (2):

Ambry Genetics
Classification: Uncertain significance for Inborn genetic diseases. Last evaluated: 2025-08-30. Review status: criteria provided, single submitter. Criteria: Ambry Variant Classification Scheme 2023. Collection method: clinical testing. Allele origin: germline.

GeneDx
Classification: Uncertain significance. Last evaluated: 2020-01-28. Review status: criteria provided, single submitter. Criteria: GeneDx Variant Classification Process June 2021. Collection method: clinical testing. Allele origin: germline. Affected: yes.
Comment: In silico analysis, which includes protein predictors and evolutionary conservation, supports that this variant does not alter protein structure/function; Has not been previously published as pathogenic or benign to our knowledge

NM_012233.3(RAB3GAP1):c.934G>C (p.Val312Leu)

Gene: RAB3GAP1 (RAB3 GTPase activating protein catalytic subunit 1; plus strand). Cytogenetic location: 2q21.3.
Variant type: single nucleotide variant.
Coding change: c.934G>C on transcript NM_012233.3 (MANE Select); coding-DNA position 934, G replaced by C.
Protein change: p.Val312Leu; replaces valine 312 with leucine.
Molecular consequence: missense variant.
Genome position (GRCh38, 1-based): chr2:135,126,617, G>C. VCF-style: chr2-135126617-G-C. GRCh37 (hg19) VCF-style: chr2-135884187-G-C.
Other names: c.934G>C, p.Val312Leu (NM_001172435.2); short protein forms V312L.
Identifiers: ClinVar variation 1314312 (VCV001314312.3), dbSNP rs1250960042, ClinGen allele CA348568765.